The following is an entry in ClinVar:

NM_178140.4(PDZD2):c.6252C>T (p.Leu2084=)

Gene: PDZD2 (PDZ domain containing 2; plus strand). Cytogenetic location: 5p13.3.
Variant type: single nucleotide variant.
Coding change: c.6252C>T on transcript NM_178140.4 (MANE Select); coding-DNA position 6252, C replaced by T.
Protein change: p.Leu2084=; no amino-acid change (leucine 2084 retained).
Molecular consequence: synonymous variant.
Genome position (GRCh38, 1-based): chr5:32,089,700, C>T. VCF-style: chr5-32089700-C-T. GRCh37 (hg19) VCF-style: chr5-32089806-C-T.
Identifiers: ClinVar variation 3044031 (VCV003044031.2), dbSNP rs761017589, ClinGen allele CA3220084.
Genomic context (GRCh38, chr5:32,089,700, plus strand): 5'-CACAGCCCAACCCAGGCCGACTGGCGAAAAAGGAGGCAACATAATGGCCAGCGATCGCCT[C>T]GAAAGAACAAACCAGCTGAAAATCGTGGAGATTTCTGCTGAAGCAGTGTCAGAGACTGTA-3'
Protein context (NP_835260.2, residues 2074-2094): KGGNIMASDR[Leu2084=]ERTNQLKIVE

ClinVar aggregate classification (germline): Likely benign (0 of 4 stars; one submission).

Conditions:
PDZD2-related disorder. Also called: PDZD2-related condition.

Allele frequency attached by ClinVar (database versions not stated): TOPMed 0.00001; ExAC 0.00004.
gnomAD v4.1: 36 of 1,614,040 alleles (0.0022%); highest among the groups gnomAD compares: South Asian, 0.023%; no homozygotes.

Submission:

PreventionGenetics, part of Exact Sciences
Classification: Likely benign for PDZD2-related condition. Last evaluated: 2019-06-06. Review status: no assertion criteria provided. Collection method: clinical testing. Allele origin: germline.
Comment: This variant is classified as likely benign based on ACMG/AMP sequence variant interpretation guidelines (Richards et al. 2015 PMID: 25741868, with internal and published modifications).